The following is an entry in ClinVar:

ClinVar aggregate classification (germline): Likely benign (1 of 4 stars; one submission).

Allele frequency attached by ClinVar (database versions not stated): 1000 Genomes Project 30x 0.00016; 1000 Genomes Project 0.00020; ESP Exome Variant Server 0.00040; gnomAD 0.00040; ExAC 0.00048; TOPMed 0.00050; gnomAD exomes 0.00060.
gnomAD v4.1: 932 of 1,613,870 alleles (0.058%); highest among the groups gnomAD compares: Middle Eastern, 1%; 2 homozygotes.

Submission:

CeGaT Center for Human Genetics Tuebingen
Classification: Likely benign. Last evaluated: 2023-07-01. Review status: criteria provided, single submitter. Criteria: CeGaT Center For Human Genetics Tuebingen Variant Classification Criteria Version 2. Collection method: clinical testing. Allele origin: germline. Affected: yes. Observed: 2 variant alleles.
Comment: CLNK: BP4, BP7

NM_052964.4(CLNK):c.540G>A (p.Pro180=)

Gene: CLNK (cytokine dependent hematopoietic cell linker; minus strand). Cytogenetic location: 4p16.1.
Variant type: single nucleotide variant.
Coding change: c.540G>A on transcript NM_052964.4 (MANE Select); coding-DNA position 540, G replaced by A.
Protein change: p.Pro180=; no amino-acid change (proline 180 retained).
Molecular consequence: synonymous variant.
Genome position (GRCh38, 1-based): chr4:10,540,556, C>T on the plus strand (G>A on the coding strand, the complement: CLNK is on the minus strand). VCF-style: chr4-10540556-C-T. GRCh37 (hg19) VCF-style: chr4-10542180-C-T.
Identifiers: ClinVar variation 2654672 (VCV002654672.24), dbSNP rs374871726, ClinGen allele CA2859319.